The following is an entry in ClinVar:

ClinVar aggregate classification (germline): Likely pathogenic (1 of 4 stars; one submission).

Submission:

GeneDx
Classification: Likely pathogenic. Last evaluated: 2017-02-03. Review status: criteria provided, single submitter. Criteria: GeneDx Variant Classification (06012015). Collection method: clinical testing. Allele origin: germline. Affected: yes.
Comment: The R243H variant in the NKX2-1 gene has not been reported previously as a pathogenic variant, nor as a benign variant, to our knowledge. However, a variant in the same codon, R243S, has been reported segregating in a large family with benign hereditary chorea (Breedveld et al., 2002). The R243H variant is not observed in large population cohorts (Lek et al., 2016; 1000 Genomes Consortium et al., 2015; Exome Variant Server). The R243H variant is a conservative amino acid substitution, which is not likely to impact secondary protein structure as these residues share similar properties. This substitution occurs at a position that is conserved across species. In silico analysis predicts this variant is probably damaging to the protein structure/function. The R243H variant is a strong candidate for a pathogenic variant, however the possibility it may be a rare benign variant cannot be excluded.

NM_001079668.3(NKX2-1):c.728G>A (p.Arg243His)

Genes: NKX2-1 (NK2 homeobox 1; minus strand), SFTA3 (surfactant associated 3; minus strand). Cytogenetic location: 14q13.3.
Variant type: single nucleotide variant.
Coding change: c.728G>A on transcript NM_001079668.3 (MANE Select); coding-DNA position 728, G replaced by A.
Protein change: p.Arg243His; replaces arginine 243 with histidine.
Molecular consequence: missense variant.
Genome position (GRCh38, 1-based): chr14:36,517,756, C>T on the plus strand (G>A on the coding strand, the complement: NKX2-1 is on the minus strand). VCF-style: chr14-36517756-C-T. GRCh37 (hg19) VCF-style: chr14-36986961-C-T.
Other names: c.638G>A, p.Arg213His (NM_003317.4); short protein forms R243H, R213H.
Identifiers: ClinVar variation 393279 (VCV000393279.2), dbSNP rs1057524869, ClinGen allele CA16606988.
Genomic context (GRCh38, chr14:36,517,756, plus strand): 5'-CTGTCCTGCTGCAGTTGCTGCTGCGCCGCCTTGTCCTTGGCCTGGCGCTTCATTTTGTAG[C>T]GGTGGTTCTGGAACCAGATCTTGACCTGCGTGGGCGTCAGGTGGATCATGCTGGCCAGGT-3'
Protein context (NP_001073136.1, residues 233-253): TQVKIWFQNH[Arg243His]YKMKRQAKDK